The following is an entry in ClinVar:

ClinVar aggregate classification (germline): Likely pathogenic (1 of 4 stars; one submission).

Submission:

Centre of Medical Genetics, University Hospital Muenster
Classification: Likely pathogenic. Last evaluated: 2021-12-20. Review status: criteria provided, single submitter. Criteria: ACMG Guidelines, 2015. Collection method: clinical testing. Allele origin: unknown. Affected: yes. Observed: 1 variant allele, 1 heterozygote.
Comment: ACMG categories: PVS1,PM2

NM_001134831.2(AHI1):c.316_319del (p.Leu106fs)

Gene: AHI1 (Abelson helper integration site 1; minus strand). Cytogenetic location: 6q23.3.
Variant type: Deletion.
Coding change: c.316_319del on transcript NM_001134831.2 (MANE Select); coding-DNA positions 316 to 319, 4 bases deleted (TTAG; older notation c.316_319delTTAG).
Protein change: p.Leu106fs; shifts the reading frame from leucine 106.
Molecular consequence: frameshift variant.
Genome position (GRCh38, 1-based): chr6:135,466,244-135,466,247, CTAA deleted on the plus strand (TTAG on the coding strand, the reverse complement: AHI1 is on the minus strand); deleting any 4 consecutive bases within chr6:135,466,244-135,466,249 gives the same sequence; the c. name uses the placement nearest the transcript's 3' end. VCF-style (leftmost placement, unchanged base first): chr6-135466243-GCTAA-G. GRCh37 (hg19) VCF-style: chr6-135787381-GCTAA-G.
Other names: c.316_319del, p.Leu106fs (NM_001134830.2, NM_001134832.2, NM_001350503.2 and 2 more transcripts); short protein forms L106fs.
Identifiers: ClinVar variation 1708374 (VCV001708374.2), dbSNP rs1281181811, ClinGen allele CA570976361.